The following is an entry in ClinVar:

NM_005502.4(ABCA1):c.1465A>T (p.Asn489Tyr)

Gene: ABCA1 (ATP binding cassette subfamily A member 1; minus strand). Cytogenetic location: 9q31.1.
Variant type: single nucleotide variant.
Coding change: c.1465A>T on transcript NM_005502.4 (MANE Select); coding-DNA position 1465, A replaced by T.
Protein change: p.Asn489Tyr; replaces asparagine 489 with tyrosine.
Molecular consequence: missense variant.
Genome position (GRCh38, 1-based): chr9:104,832,618, T>A on the plus strand (A>T on the coding strand, the complement: ABCA1 is on the minus strand). VCF-style: chr9-104832618-T-A. GRCh37 (hg19) VCF-style: chr9-107594899-T-A.
Other names: short protein forms N489Y.
Identifiers: ClinVar variation 3491811 (VCV003491811.1).

ClinVar aggregate classification (germline): Uncertain significance (1 of 4 stars; one submission).

Conditions:
Cardiovascular phenotype. Identifiers: MedGen CN230736.

gnomAD v4.1: 3 of 1,614,220 alleles (0.00019%); highest among the groups gnomAD compares: East Asian, 0.0067%; no homozygotes.

Submission:

Ambry Genetics
Classification: Uncertain significance for Cardiovascular phenotype. Last evaluated: 2024-09-25. Review status: criteria provided, single submitter. Criteria: Ambry Variant Classification Scheme 2023. Collection method: clinical testing. Allele origin: germline.
Comment: The p.N489Y variant (also known as c.1465A>T), located in coding exon 11 of the ABCA1 gene, results from an A to T substitution at nucleotide position 1465. The asparagine at codon 489 is replaced by tyrosine, an amino acid with dissimilar properties. This amino acid position is highly conserved in available vertebrate species. In addition, this alteration is predicted to be deleterious by in silico analysis. Based on the available evidence, the clinical significance of this variant remains unclear.